The following is an entry in ClinVar:

NM_000138.5(FBN1):c.8099C>T (p.Pro2700Leu)

Gene: FBN1 (fibrillin 1; minus strand). Cytogenetic location: 15q21.1.
Variant type: single nucleotide variant.
Coding change: c.8099C>T on transcript NM_000138.5 (MANE Select); coding-DNA position 8099, C replaced by T.
Protein change: p.Pro2700Leu; replaces proline 2700 with leucine.
Molecular consequence: missense variant.
Genome position (GRCh38, 1-based): chr15:48,412,696, G>A on the plus strand (C>T on the coding strand, the complement: FBN1 is on the minus strand). VCF-style: chr15-48412696-G-A. GRCh37 (hg19) VCF-style: chr15-48704893-G-A.
Other names: short protein forms P2700L.
Identifiers: ClinVar variation 263390 (VCV000263390.13), dbSNP rs886038782, ClinGen allele CA10587784.
Genomic context (GRCh38, chr15:48,412,696, plus strand): 5'-ATCTTACACTCGTAACAAGCCTCTGGGGAGAGTGAATTGTCATCCATTTCACCACTGACA[G>A]GTGGCTCTGGGTTTCCTCGGCCCATGCCCATTCCAGAAACACAGTGCCTGCAGCAGAAGG-3'
Protein context (NP_000129.3, residues 2690-2710): MGMGRGNPEP[Pro2700Leu]VSGEMDDNSL

ClinVar aggregate classification (germline): Uncertain significance. Review status: criteria provided, multiple submitters, no conflicts (2 of 4 stars). 2 submissions from 2 submitters: Uncertain significance (2). Last evaluated 2025-01-10.

Conditions:
Marfan syndrome (MFS). Also called: MARFAN SYNDROME, TYPE I; FBN1-Related Marfan Syndrome; Marfan syndrome, classic; Marfan syndrome type 1; Marfan's syndrome. Identifiers: Orphanet 284963, Orphanet 558, MedGen C0024796, MONDO:0007947, OMIM 154700.
Familial thoracic aortic aneurysm and aortic dissection (TAAD). Also called: Thoracic aortic aneurysms and dissections. Identifiers: Orphanet 91387, MedGen C4707243, MONDO:0019625.

Allele frequency attached by ClinVar (database versions not stated): gnomAD exomes below 0.00001.
gnomAD v4.1: 2 of 1,614,246 alleles (0.00012%); highest among the groups gnomAD compares: Non-Finnish European, 0.00017%; no homozygotes.

Submissions (2):

Ambry Genetics
Classification: Uncertain significance for Familial thoracic aortic aneurysm and aortic dissection. Last evaluated: 2025-01-10. Review status: criteria provided, single submitter. Criteria: Ambry Variant Classification Scheme 2023. Collection method: clinical testing. Allele origin: germline.
Comment: The p.P2700L variant (also known as c.8099C>T), located in coding exon 64 of the FBN1 gene, results from a C to T substitution at nucleotide position 8099. The proline at codon 2700 is replaced by leucine, an amino acid with similar properties. This amino acid position is well conserved in available vertebrate species. In addition, this alteration is predicted to be tolerated by in silico analysis. Based on the available evidence, the clinical significance of this variant remains unclear.

Labcorp Genetics (formerly Invitae), Labcorp
Classification: Uncertain significance for Marfan syndrome; Familial thoracic aortic aneurysm and aortic dissection. Last evaluated: 2024-01-03. Review status: criteria provided, single submitter. Criteria: Invitae Variant Classification Sherloc (09022015). Collection method: clinical testing. Allele origin: germline.
Comment: This sequence change replaces proline, which is neutral and non-polar, with leucine, which is neutral and non-polar, at codon 2700 of the FBN1 protein (p.Pro2700Leu). This variant is not present in population databases (gnomAD no frequency). This variant has not been reported in the literature in individuals affected with FBN1-related conditions. ClinVar contains an entry for this variant (Variation ID: 263390). Advanced modeling of protein sequence and biophysical properties (such as structural, functional, and spatial information, amino acid conservation, physicochemical variation, residue mobility, and thermodynamic stability) performed at Invitae indicates that this missense variant is not expected to disrupt FBN1 protein function with a negative predictive value of 95%. In summary, the available evidence is currently insufficient to determine the role of this variant in disease. Therefore, it has been classified as a Variant of Uncertain Significance.